The following is an entry in ClinVar:

ClinVar aggregate classification (germline): Uncertain significance. Review status: criteria provided, multiple submitters, no conflicts (2 of 4 stars). 2 submissions from 2 submitters: Uncertain significance (2). Last evaluated 2024-04-23.

Conditions:
Inborn genetic diseases. Identifiers: MedGen C0950123, MeSH D030342.

Allele frequency attached by ClinVar (database versions not stated): TOPMed below 0.00001; gnomAD 0.00001; gnomAD exomes 0.00001.
gnomAD v4.1: 7 of 1,613,850 alleles (0.00043%); highest among the groups gnomAD compares: Admixed American, 0.0083%; no homozygotes.

Submissions (2):

Labcorp Genetics (formerly Invitae), Labcorp
Classification: Uncertain significance. Last evaluated: 2024-04-23. Review status: criteria provided, single submitter. Criteria: Invitae Variant Classification Sherloc (09022015). Collection method: clinical testing. Allele origin: germline.
Comment: This sequence change replaces glutamic acid, which is acidic and polar, with lysine, which is basic and polar, at codon 62 of the NALCN protein (p.Glu62Lys). This variant is present in population databases (no rsID available, gnomAD 0.01%). This variant has not been reported in the literature in individuals affected with NALCN-related conditions. ClinVar contains an entry for this variant (Variation ID: 2211087). Advanced modeling of protein sequence and biophysical properties (such as structural, functional, and spatial information, amino acid conservation, physicochemical variation, residue mobility, and thermodynamic stability) performed at Invitae indicates that this missense variant is not expected to disrupt NALCN protein function with a negative predictive value of 80%. In summary, the available evidence is currently insufficient to determine the role of this variant in disease. Therefore, it has been classified as a Variant of Uncertain Significance.

Ambry Genetics
Classification: Uncertain significance for Inborn genetic diseases. Last evaluated: 2021-04-20. Review status: criteria provided, single submitter. Criteria: Ambry Variant Classification Scheme 2023. Collection method: clinical testing. Allele origin: germline.
Comment: The c.184G>A (p.E62K) alteration is located in exon 3 (coding exon 2) of the NALCN gene. This alteration results from a G to A substitution at nucleotide position 184, causing the glutamic acid (E) at amino acid position 62 to be replaced by a lysine (K). Based on data from the Genome Aggregation Database (gnomAD) database, the NALCN c.184G>A alteration was observed in 0.0016% (4/251352) of total alleles studied, with a frequency of 0.01% (4/34568) in the Latino subpopulation. The p.E62 amino acid is conserved in available vertebrate species. The in silico prediction for the p.E62K alteration is inconclusive. Based on insufficient or conflicting evidence, the clinical significance of this alteration remains unclear.

NM_052867.4(NALCN):c.184G>A (p.Glu62Lys)

Gene: NALCN (sodium leak channel, non-selective; minus strand). Cytogenetic location: 13q33.1.
Variant type: single nucleotide variant.
Coding change: c.184G>A on transcript NM_052867.4 (MANE Select); coding-DNA position 184, G replaced by A.
Protein change: p.Glu62Lys; replaces glutamic acid 62 with lysine.
Molecular consequence: missense variant.
Genome position (GRCh38, 1-based): chr13:101,395,290, C>T on the plus strand (G>A on the coding strand, the complement: NALCN is on the minus strand). VCF-style: chr13-101395290-C-T. GRCh37 (hg19) VCF-style: chr13-102047641-C-T.
Other names: c.184G>A, p.Glu62Lys (NM_001350748.2, NM_001350749.2, NM_001350750.2 and 1 more transcripts); short protein forms E62K.
Identifiers: ClinVar variation 2211087 (VCV002211087.5), dbSNP rs1029379718, ClinGen allele CA256082622.